The following is an entry in ClinVar:

NM_001267550.2(TTN):c.46337_46338del (p.Arg15446fs)

Genes: TTN (titin; minus strand), TTN-AS1 (TTN antisense RNA 1; plus strand). Cytogenetic location: 2q31.2.
Variant type: Deletion.
Coding change: c.46337_46338del on transcript NM_001267550.2 (MANE Select); coding-DNA positions 46337 to 46338, 2 bases deleted (GA; older notation c.46337_46338delGA).
Protein change: p.Arg15446fs; shifts the reading frame from arginine 15446.
Molecular consequence: frameshift variant. On other transcripts: non-coding transcript variant (1).
Genome position (GRCh38, 1-based): chr2:178,620,079-178,620,080, TC deleted on the plus strand (GA on the coding strand, the reverse complement: TTN is on the minus strand); deleting any 2 consecutive bases within chr2:178,620,079-178,620,081 gives the same sequence; the c. name uses the placement nearest the transcript's 3' end. VCF-style (leftmost placement, unchanged base first): chr2-178620078-GTC-G. GRCh37 (hg19) VCF-style: chr2-179484805-GTC-G.
Other names: c.41414_41415del, p.Arg13805fs (NM_001256850.1); c.19142_19143del, p.Arg6381fs (NM_003319.4); c.38633_38634del, p.Arg12878fs (NM_133378.4); c.19517_19518del, p.Arg6506fs (NM_133432.3); c.19718_19719del, p.Arg6573fs (NM_133437.4); c.19142_19143delGA (NM_003319.4); short protein forms R12878fs, R13805fs, R6506fs, R6573fs, R15446fs, R6381fs.
Identifiers: ClinVar variation 1782539 (VCV001782539.2), dbSNP rs2470985498, ClinGen allele CA2580065001.

ClinVar aggregate classification (germline): Likely pathogenic (1 of 4 stars; one submission).

Conditions:
Cardiovascular phenotype. Identifiers: MedGen CN230736.

Submission:

Ambry Genetics
Classification: Likely pathogenic for Cardiovascular phenotype. Last evaluated: 2021-01-05. Review status: criteria provided, single submitter. Criteria: Ambry Variant Classification Scheme 2023. Collection method: clinical testing. Allele origin: germline.
Comment: The c.19142_19143delGA variant, located in coding exon 76 of the TTN gene, results from a deletion of two nucleotides at nucleotide positions 19142 to 19143, causing a translational frameshift with a predicted alternate stop codon (p.R6381Tfs*10). This exon is located in the I-band region of the N2-B isoform of the titin protein and is constitutively expressed in TTN transcripts (percent spliced in or PSI 100%). This variant was not reported in population-based cohorts in the Genome Aggregation Database (gnomAD). This alteration is expected to result in loss of function by premature protein truncation or nonsense-mediated mRNA decay. While truncating variants in TTN are present in 1-3% of the general population, truncating variants in the A-band are the most common cause of dilated cardiomyopathy (DCM) (Herman DS et al. N. Engl. J. Med., 2012 Feb;366:619-28; Roberts AM et al. Sci Transl Med, 2015 Jan;7:270ra6). TTN truncating variants encoded in constitutive exons (PSI >90%) have been found to be significantly associated with DCM regardless of their position in titin (Schafer S et al. Nat. Genet., 2017 01;49:46-53). As such, this alteration is classified as likely pathogenic.